The following is an entry in ClinVar:

ClinVar aggregate classification (germline): Uncertain significance (1 of 4 stars; one submission).

Conditions:
Familial cancer of breast. Also called: BREAST CANCER, FAMILIAL; Hereditary breast cancer; hereditary breast carcinoma. Identifiers: Orphanet 227535, MedGen C0346153, MONDO:0016419, OMIM 114480. Disease mechanism: loss of function.
Fanconi anemia complementation group J. Also called: BRIP1-Related Fanconi Anemia. Identifiers: Orphanet 84, MedGen C1836860, MONDO:0012187, OMIM 609054.

Submission:

Labcorp Genetics (formerly Invitae), Labcorp
Classification: Uncertain significance for Familial cancer of breast; Fanconi anemia complementation group J. Last evaluated: 2019-06-17. Review status: criteria provided, single submitter. Criteria: Invitae Variant Classification Sherloc (09022015). Collection method: clinical testing. Allele origin: germline.
Comment: This sequence change replaces isoleucine with leucine at codon 243 of the BRIP1 protein (p.Ile243Leu). The isoleucine residue is weakly conserved and there is a small physicochemical difference between isoleucine and leucine. This variant is not present in population databases (ExAC no frequency). This variant has not been reported in the literature in individuals with BRIP1-related conditions. Algorithms developed to predict the effect of missense changes on protein structure and function (SIFT, PolyPhen-2, Align-GVGD) all suggest that this variant is likely to be tolerated, but these predictions have not been confirmed by published functional studies and their clinical significance is uncertain. In summary, the available evidence is currently insufficient to determine the role of this variant in disease. Therefore, it has been classified as a Variant of Uncertain Significance.

NM_032043.3(BRIP1):c.727A>T (p.Ile243Leu)

Gene: BRIP1 (BRCA1 interacting DNA helicase 1; minus strand). Cytogenetic location: 17q23.2.
Variant type: single nucleotide variant.
Coding change: c.727A>T on transcript NM_032043.3 (MANE Select); coding-DNA position 727, A replaced by T.
Protein change: p.Ile243Leu; replaces isoleucine 243 with leucine.
Molecular consequence: missense variant.
Genome position (GRCh38, 1-based): chr17:61,808,658, T>A on the plus strand (A>T on the coding strand, the complement: BRIP1 is on the minus strand). VCF-style: chr17-61808658-T-A. GRCh37 (hg19) VCF-style: chr17-59886019-T-A.
Other names: short protein forms I243L.
Identifiers: ClinVar variation 948546 (VCV000948546.10), dbSNP rs2078113517, ClinGen allele CA400485038.
Genomic context (GRCh38, chr17:61,808,658, plus strand): 5'-GCTCTCTAGTAATCTGAGCAATCTGCTTGTGTGTGCGTGTCCCAAAATATATTTTGGGTA[T>A]CTTGGATTTCCCTGTATGATCCTTCTTAATGGTATTCGATGACTCTTGACTGTTTCCTTG-3'
Protein context (NP_114432.2, residues 233-253): IKKDHTGKSK[Ile243Leu]PKIYFGTRTH